The following is an entry in ClinVar:

NM_003982.4(SLC7A7):c.249C>T (p.Ser83=)

Gene: SLC7A7 (solute carrier family 7 member 7; minus strand). Cytogenetic location: 14q11.2.
Variant type: single nucleotide variant.
Coding change: c.249C>T on transcript NM_003982.4 (MANE Select); coding-DNA position 249, C replaced by T.
Protein change: p.Ser83=; no amino-acid change (serine 83 retained).
Molecular consequence: synonymous variant.
Genome position (GRCh38, 1-based): chr14:22,813,150, G>A on the plus strand (C>T on the coding strand, the complement: SLC7A7 is on the minus strand). VCF-style: chr14-22813150-G-A. GRCh37 (hg19) VCF-style: chr14-23282359-G-A.
Other names: p.Ser83=; c.249C>T, p.Ser83= (NM_001126105.3, NM_001126106.4).
Identifiers: ClinVar variation 737479 (VCV000737479.12), dbSNP rs146077876, ClinGen allele CA7104741.

ClinVar aggregate classification (germline): Likely benign. Review status: criteria provided, multiple submitters, no conflicts (2 of 4 stars). 3 submissions from 3 submitters: Likely benign (3). Last evaluated 2025-11-28.

Conditions:
Lysinuric protein intolerance (LPI). Identifiers: Orphanet 470, MedGen C0268647, MONDO:0009109, OMIM 222700.

Allele frequency attached by ClinVar (database versions not stated): ExAC 0.00003; gnomAD exomes 0.00004; gnomAD 0.00012 and 0.00013; TOPMed 0.00017; ESP Exome Variant Server 0.00023.
gnomAD v4.1: 46 of 1,613,970 alleles (0.0029%); highest among the groups gnomAD compares: African/African-American, 0.037%; no homozygotes.

Submissions (3):

Labcorp Genetics (formerly Invitae), Labcorp
Classification: Likely benign for Lysinuric protein intolerance. Last evaluated: 2025-11-28. Review status: criteria provided, single submitter. Criteria: Invitae Variant Classification Sherloc (09022015). Collection method: clinical testing. Allele origin: germline.

Mayo Clinic Laboratories, Mayo Clinic
Classification: Likely benign. Last evaluated: 2025-11-27. Review status: criteria provided, single submitter. Criteria: ACMG Guidelines, 2015. Collection method: clinical testing. Allele origin: germline. Observed: 1 variant allele.
Comment: BP4, BP7

Fulgent Genetics
Classification: Likely benign for Lysinuric protein intolerance. Last evaluated: 2022-04-29. Review status: criteria provided, single submitter. Criteria: ACMG Guidelines, 2015. Collection method: clinical testing. Allele origin: unknown.